The following is an entry in ClinVar:

ClinVar aggregate classification (germline): Uncertain significance. Review status: criteria provided, multiple submitters, no conflicts (2 of 4 stars). 2 submissions from 2 submitters: Uncertain significance (2). Last evaluated 2021-08-28.

Conditions:
DNA ligase IV deficiency. Identifiers: Orphanet 99812, MedGen C1847827, MONDO:0011686, OMIM 606593.
Multiple myeloma (MM). Also called: Multiple myeloma, somatic; Plasma cell myeloma. Identifiers: Orphanet 29073, Orphanet 85443, MedGen C0026764, MeSH D009101, MONDO:0009693, OMIM 254500, HP:0006775.

Allele frequency attached by ClinVar (database versions not stated): ExAC 0.00001; gnomAD 0.00001; gnomAD exomes 0.00001; ESP Exome Variant Server 0.00008.
gnomAD v4.1: 14 of 1,613,968 alleles (0.00087%); highest among the groups gnomAD compares: African/African-American, 0.0013%; no homozygotes.

Submissions (2):

Labcorp Genetics (formerly Invitae), Labcorp
Classification: Uncertain significance for DNA ligase IV deficiency. Last evaluated: 2021-08-28. Review status: criteria provided, single submitter. Criteria: Invitae Variant Classification Sherloc (09022015). Collection method: clinical testing. Allele origin: germline.
Comment: This sequence change replaces isoleucine with threonine at codon 175 of the LIG4 protein (p.Ile175Thr). The isoleucine residue is moderately conserved and there is a moderate physicochemical difference between isoleucine and threonine. This variant is present in population databases (rs373262036, ExAC 0.002%). This variant has not been reported in the literature in individuals affected with LIG4-related conditions. Algorithms developed to predict the effect of missense changes on protein structure and function are either unavailable or do not agree on the potential impact of this missense change (SIFT: "Tolerated"; PolyPhen-2: "Possibly Damaging"; Align-GVGD: "Class C0"). In summary, the available evidence is currently insufficient to determine the role of this variant in disease. Therefore, it has been classified as a Variant of Uncertain Significance.

Fulgent Genetics
Classification: Uncertain significance for Multiple myeloma; DNA ligase IV deficiency. Last evaluated: 2021-08-20. Review status: criteria provided, single submitter. Criteria: ACMG Guidelines, 2015. Collection method: clinical testing. Allele origin: unknown.

NM_206937.2(LIG4):c.524T>C (p.Ile175Thr)

Gene: LIG4 (DNA ligase 4; minus strand). Cytogenetic location: 13q33.3.
Variant type: single nucleotide variant.
Coding change: c.524T>C on transcript NM_206937.2 (MANE Select); coding-DNA position 524, T replaced by C.
Protein change: p.Ile175Thr; replaces isoleucine 175 with threonine.
Molecular consequence: missense variant.
Genome position (GRCh38, 1-based): chr13:108,210,745, A>G on the plus strand (T>C on the coding strand, the complement: LIG4 is on the minus strand). VCF-style: chr13-108210745-A-G. GRCh37 (hg19) VCF-style: chr13-108863093-A-G.
Other names: c.524T>C, p.Ile175Thr (NM_001098268.2, NM_001352598.2, NM_001352599.2 and 6 more transcripts); c.323T>C, p.Ile108Thr (NM_001330595.2); c.560T>C, p.Ile187Thr (NM_001352604.2); short protein forms I108T, I175T, I187T.
Identifiers: ClinVar variation 1002393 (VCV001002393.7), dbSNP rs373262036, ClinGen allele CA7043832.